The following is an entry in ClinVar:

ClinVar aggregate classification (germline): Uncertain significance (1 of 4 stars; one submission).

Submission:

GeneDx
Classification: Uncertain significance. Last evaluated: 2022-03-14. Review status: criteria provided, single submitter. Criteria: GeneDx Variant Classification Process June 2021. Collection method: clinical testing. Allele origin: germline. Affected: yes.
Comment: Not observed at significant frequency in large population cohorts (gnomAD); In silico analysis supports that this missense variant has a deleterious effect on protein structure/function; Has not been previously published as pathogenic or benign to our knowledge

NM_018896.5(CACNA1G):c.560C>T (p.Pro187Leu)

Gene: CACNA1G (calcium voltage-gated channel subunit alpha1 G; plus strand). Cytogenetic location: 17q21.33.
Variant type: single nucleotide variant.
Coding change: c.560C>T on transcript NM_018896.5 (MANE Select); coding-DNA position 560, C replaced by T.
Protein change: p.Pro187Leu; replaces proline 187 with leucine.
Molecular consequence: missense variant. On other transcripts: non-coding transcript variant (5).
Genome position (GRCh38, 1-based): chr17:50,569,777, C>T. VCF-style: chr17-50569777-C-T. GRCh37 (hg19) VCF-style: chr17-48647138-C-T.
Other names: c.560C>T, p.Pro187Leu (NM_001256324.2, NM_001256325.2, NM_001256326.2 and 24 more transcripts); short protein forms P187L.
Identifiers: ClinVar variation 1707828 (VCV001707828.2), dbSNP rs2038940137, ClinGen allele CA400228738.